The following is an entry in ClinVar:

NM_004304.5(ALK):c.149A>G (p.Gln50Arg)

Gene: ALK (ALK receptor tyrosine kinase; minus strand). Cytogenetic location: 2p23.1.
Variant type: single nucleotide variant.
Coding change: c.149A>G on transcript NM_004304.5 (MANE Select); coding-DNA position 149, A replaced by G.
Protein change: p.Gln50Arg; replaces glutamine 50 with arginine.
Molecular consequence: missense variant.
Genome position (GRCh38, 1-based): chr2:29,920,511, T>C on the plus strand (A>G on the coding strand, the complement: ALK is on the minus strand). VCF-style: chr2-29920511-T-C. GRCh37 (hg19) VCF-style: chr2-30143377-T-C.
Other names: short protein forms Q50R.
Identifiers: ClinVar variation 404356 (VCV000404356.11), dbSNP rs1060500222, ClinGen allele CA16610735.

ClinVar aggregate classification (germline): Uncertain significance. Review status: criteria provided, multiple submitters, no conflicts (2 of 4 stars). 4 submissions from 4 submitters: Uncertain significance (4). Last evaluated 2025-06-16.

Conditions:
Hereditary cancer-predisposing syndrome. Also called: Tumor predisposition; Neoplastic Syndromes, Hereditary; Hereditary Cancer Syndrome; Hereditary neoplastic syndrome. Identifiers: Orphanet 140162, MedGen C0027672, MeSH D009386, MONDO:0015356.
Neuroblastoma, susceptibility to, 3. Also called: ALK-Related Neuroblastic Tumor Susceptibility. Identifiers: Orphanet 635, MedGen C2751681, MONDO:0013083, OMIM 613014.

Allele frequency attached by ClinVar (database versions not stated): gnomAD exomes below 0.00001; gnomAD 0.00001; TOPMed 0.00001.
gnomAD v4.1: 2 of 1,612,566 alleles (0.00012%); highest among the groups gnomAD compares: African/African-American, 0.0027%; no homozygotes.

Submissions (4):

Ambry Genetics
Classification: Uncertain significance for Hereditary cancer-predisposing syndrome. Last evaluated: 2025-06-16. Review status: criteria provided, single submitter. Criteria: Ambry Variant Classification Scheme 2023. Collection method: clinical testing. Allele origin: germline.
Comment: The p.Q50R variant (also known as c.149A>G), located in coding exon 1 of the ALK gene, results from an A to G substitution at nucleotide position 149. The glutamine at codon 50 is replaced by arginine, an amino acid with highly similar properties. This amino acid position is conserved. In addition, the in silico prediction for this alteration is inconclusive. Based on the available evidence, the clinical significance of this variant remains unclear.

Labcorp Genetics (formerly Invitae), Labcorp
Classification: Uncertain significance for Neuroblastoma, susceptibility to, 3. Last evaluated: 2024-07-30. Review status: criteria provided, single submitter. Criteria: Invitae Variant Classification Sherloc (09022015). Collection method: clinical testing. Allele origin: germline.
Comment: This sequence change replaces glutamine, which is neutral and polar, with arginine, which is basic and polar, at codon 50 of the ALK protein (p.Gln50Arg). This variant is not present in population databases (gnomAD no frequency). This variant has not been reported in the literature in individuals affected with ALK-related conditions. ClinVar contains an entry for this variant (Variation ID: 404356). An algorithm developed to predict the effect of missense changes on protein structure and function (PolyPhen-2) suggests that this variant is likely to be disruptive. In summary, the available evidence is currently insufficient to determine the role of this variant in disease. Therefore, it has been classified as a Variant of Uncertain Significance.

Baylor Genetics
Classification: Uncertain significance for Neuroblastoma, susceptibility to, 3. Last evaluated: 2023-10-21. Review status: criteria provided, single submitter. Criteria: ACMG Guidelines, 2015. Collection method: clinical testing. Allele origin: unknown.

GeneDx
Classification: Uncertain significance. Last evaluated: 2019-08-21. Review status: criteria provided, single submitter. Criteria: GeneDx Variant Classification Process June 2021. Collection method: clinical testing. Allele origin: germline. Affected: yes.
Comment: Not observed at a significant frequency in large population cohorts (Lek et al., 2016); In silico analysis, which includes protein predictors and evolutionary conservation, supports that this variant does not alter protein structure/function; Has not been previously published as pathogenic or benign to our knowledge